The following is an entry in ClinVar:

NM_144666.3(DNHD1):c.8482_8494del (p.Gly2828fs)

Gene: DNHD1 (dynein heavy chain domain 1; plus strand). Cytogenetic location: 11p15.4.
Variant type: Deletion.
Coding change: c.8482_8494del on transcript NM_144666.3 (MANE Select); coding-DNA positions 8482 to 8494, 13 bases deleted (GGGCCTAACTCTG).
Protein change: p.Gly2828fs; shifts the reading frame from glycine 2828.
Molecular consequence: frameshift variant.
Genome position (GRCh38, 1-based): chr11:6,557,777-6,557,789, GGGCCTAACTCTG deleted; deleting any 13 consecutive bases within chr11:6,557,774-6,557,789 gives the same sequence; the c. name uses the placement nearest the transcript's 3' end. VCF-style (leftmost placement, unchanged base first): chr11-6557773-ACTGGGGCCTAACT-A. GRCh37 (hg19) VCF-style: chr11-6579003-ACTGGGGCCTAACT-A.
Other names: short protein forms G2828fs.
Identifiers: ClinVar variation 5007902 (VCV005007902.2).

ClinVar aggregate classification (germline): Uncertain significance (1 of 4 stars; one submission).

Conditions:
Spermatogenic failure 65 (SPGF65). Identifiers: MedGen C5562067, MONDO:0030531, OMIM 619712.

Submission:

Juno Genomics, Hangzhou Juno Genomics, Inc
Classification: Uncertain significance for Spermatogenic failure 65. Review status: criteria provided, single submitter. Criteria: ACMG Guidelines, 2015. Collection method: clinical testing. Allele origin: germline.
Comment: Absent from controls (or at extremely low frequency if recessive) in Genome Aggregation Database.